The following is an entry in ClinVar:

NM_001829.4(CLCN3):c.334A>G (p.Lys112Glu)

Gene: CLCN3 (chloride voltage-gated channel 3; plus strand). Cytogenetic location: 4q33.
Variant type: single nucleotide variant.
Coding change: c.334A>G on transcript NM_001829.4 (MANE Select); coding-DNA position 334, A replaced by G.
Protein change: p.Lys112Glu; replaces lysine 112 with glutamic acid.
Molecular consequence: missense variant.
Genome position (GRCh38, 1-based): chr4:169,687,673, A>G. VCF-style: chr4-169687673-A-G. GRCh37 (hg19) VCF-style: chr4-170608824-A-G.
Other names: c.334A>G, p.Lys112Glu (NM_001243372.2, NM_173872.4); c.253A>G, p.Lys85Glu (NM_001243374.2); short protein forms K112E, K85E.
Identifiers: ClinVar variation 3364868 (VCV003364868.1).

ClinVar aggregate classification (germline): Uncertain significance (1 of 4 stars; one submission).

gnomAD v4.1: 1 of 1,609,550 alleles (0.000062%); highest among the groups gnomAD compares: Admixed American, 0.0017%; no homozygotes.

Submission:

GeneDx
Classification: Uncertain significance. Last evaluated: 2023-12-01. Review status: criteria provided, single submitter. Criteria: GeneDx Variant Classification Process June 2021. Collection method: clinical testing. Allele origin: germline. Affected: yes.
Comment: Not observed at significant frequency in large population cohorts (gnomAD); In silico analysis supports that this missense variant does not alter protein structure/function; Has not been previously published as pathogenic or benign to our knowledge